The following is an entry in ClinVar:

NM_000540.3(RYR1):c.4236C>G (p.His1412Gln)

Gene: RYR1 (ryanodine receptor 1; plus strand). Cytogenetic location: 19q13.2.
Variant type: single nucleotide variant.
Coding change: c.4236C>G on transcript NM_000540.3 (MANE Select); coding-DNA position 4236, C replaced by G.
Protein change: p.His1412Gln; replaces histidine 1412 with glutamine.
Molecular consequence: missense variant.
Genome position (GRCh38, 1-based): chr19:38,475,393, C>G. VCF-style: chr19-38475393-C-G. GRCh37 (hg19) VCF-style: chr19-38966033-C-G.
Other names: c.4236C>G, p.His1412Gln (NM_001042723.2); short protein forms H1412Q.
Identifiers: ClinVar variation 374136 (VCV000374136.31), dbSNP rs146206507, ClinGen allele CA065694.

ClinVar aggregate classification (germline): Uncertain significance. Review status: criteria provided, multiple submitters, no conflicts (2 of 4 stars). 8 submissions from 7 submitters: Uncertain significance (8). Last evaluated 2025-10-13.

Conditions:
Congenital myasthenic syndrome (CMS). Also called: Congenital Myasthenic Syndromes. Identifiers: Orphanet 590, MedGen C0751882, MeSH D020294, MONDO:0018940.
Congenital myopathy with fiber type disproportion. Also called: Congenital fiber-type disproportion myopathy; Congenital fiber-type disproportion. Identifiers: Orphanet 2020, MedGen C0546264, MONDO:0009711. Inheritance: all.
Congenital multicore myopathy with external ophthalmoplegia (CMYO1B). Also called: Minicore myopathy with external ophthalmoplegia; MULTIMINICORE DISEASE WITH EXTERNAL OPHTHALMOPLEGIA; Congenital myopathy 1B, autosomal recessive; Minicore myopathy; MULTICORE MYOPATHY. Identifiers: Orphanet 598, Orphanet 98905, MedGen C1850674, MONDO:0009712, OMIM 255320, HP:0003789.
Malignant hyperthermia, susceptibility to, 1 (MHS1). Also called: RYR1-Related Malignant Hyperthermia Susceptibility; Malignant hyperthermia suceptibility 1; Anesthesia related hyperthermia; Malignant hyperpyrexia; Fulminating hyperpyrexia; Pharmacogenic myopathy. Identifiers: Orphanet 423, MedGen C2930980, MONDO:0007783, OMIM 145600.
Central core myopathy (CMYO1A). Also called: CONGENITAL MYOPATHY 1A, AUTOSOMAL DOMINANT, WITH SUSCEPTIBILITY TO MALIGNANT HYPERTHERMIA; Central core disease; Myopathy, central fibrillar. Identifiers: Orphanet 597, MedGen C5830701, MONDO:0007294, OMIM 117000.
King Denborough syndrome (KDS). Identifiers: MedGen C1840365, MONDO:0020485, OMIM 619542.
RYR1-related disorder. Also called: RYR1-related disorders; RYR1-related condition. Identifiers: MedGen CN239331.

Allele frequency attached by ClinVar (database versions not stated): ExAC 0.00005; gnomAD 0.00005; TOPMed 0.00007; ESP Exome Variant Server 0.00008.
gnomAD v4.1: 41 of 1,613,922 alleles (0.0025%); highest among the groups gnomAD compares: Admixed American, 0.0067%; no homozygotes.

Submissions (8):

PreventionGenetics, part of Exact Sciences
Classification: Uncertain significance for RYR1-related condition. Last evaluated: 2025-10-13. Review status: criteria provided, single submitter. Criteria: ACMG Guidelines, 2015. Collection method: clinical testing. Allele origin: germline.
Comment: The RYR1 c.4236C>G variant is predicted to result in the amino acid substitution p.His1412Gln. This variant has been reported in a cohort of individuals with suspected RYR1-related disorders; however, detailed clinical information was not available (Table S2, Kushnir et al. 2020. PubMed ID: 32236737). This variant is reported in 0.012% of alleles in individuals of Latino descent in gnomAD. At this time, the clinical significance of this variant is uncertain due to the absence of conclusive functional and genetic evidence.

Labcorp Genetics (formerly Invitae), Labcorp
Classification: Uncertain significance for RYR1-related disorder. Last evaluated: 2025-10-08. Review status: criteria provided, single submitter. Criteria: Invitae Variant Classification Sherloc (09022015). Collection method: clinical testing. Allele origin: germline.
Comment: This sequence change replaces histidine, which is basic and polar, with glutamine, which is neutral and polar, at codon 1412 of the RYR1 protein (p.His1412Gln). This variant is present in population databases (rs146206507, gnomAD 0.009%). This variant has not been reported in the literature in individuals affected with RYR1-related conditions. ClinVar contains an entry for this variant (Variation ID: 374136). Invitae Evidence Modeling of protein sequence and biophysical properties (such as structural, functional, and spatial information, amino acid conservation, physicochemical variation, residue mobility, and thermodynamic stability) indicates that this missense variant is not expected to disrupt RYR1 protein function with a negative predictive value of 80%. In summary, the available evidence is currently insufficient to determine the role of this variant in disease. Therefore, it has been classified as a Variant of Uncertain Significance.

Color Diagnostics, LLC DBA Color Health
Classification: Uncertain significance for Malignant hyperthermia, susceptibility to, 1. Last evaluated: 2025-06-18. Review status: criteria provided, single submitter. Criteria: ACMG Guidelines, 2015. Collection method: clinical testing. Allele origin: germline.
Comment: This missense variant replaces histidine with glutamine at codon 1412 of the RYR1 protein. Computational prediction suggests that this variant may not impact protein structure and function. To our knowledge, functional studies have not been reported for this variant. This variant has not been reported in individuals affected with RYR1-related disorders in the literature. This variant has been identified in 13/250756 chromosomes in the general population by the Genome Aggregation Database (gnomAD). The available evidence is insufficient to determine the role of this variant in disease conclusively. Therefore, this variant is classified as a Variant of Uncertain Significance.

GeneDx
Classification: Uncertain significance. Last evaluated: 2025-06-11. Review status: criteria provided, single submitter. Criteria: GeneDx Variant Classification Process June 2021. Collection method: clinical testing. Allele origin: germline. Affected: yes.
Comment: Not observed at significant frequency in large population cohorts (gnomAD); In silico analysis suggests that this missense variant does not alter protein structure/function; Reported previously in a case control series of individuals with inherited peripheral neuropathies, although it is not clear if this variant was detected in an affected individual or in a control (PMID: 24627108); This variant is associated with the following publications: (PMID: 24627108, 32236737)

Fulgent Genetics
Classification: Uncertain significance for Central core myopathy; Malignant hyperthermia, susceptibility to, 1; Congenital myopathy 4A, autosomal dominant; Congenital multicore myopathy with external ophthalmoplegia; King Denborough syndrome. Last evaluated: 2021-08-24. Review status: criteria provided, single submitter. Criteria: ACMG Guidelines, 2015. Collection method: clinical testing. Allele origin: unknown.

Revvity Omics, Revvity
Classification: Uncertain significance. Last evaluated: 2020-01-14. Review status: criteria provided, single submitter. Criteria: ACMG Guidelines, 2015. Collection method: clinical testing. Allele origin: germline.

Centre for Mendelian Genomics, University Medical Centre Ljubljana
Classification: Uncertain significance for Congenital myopathy 4A, autosomal dominant. Last evaluated: 2016-01-01. Review status: criteria provided, single submitter. Criteria: ACMG Guidelines, 2015. Collection method: clinical testing. Allele origin: unknown. Affected: yes.
Comment: This variant was classified as: Uncertain significance.

Centre for Mendelian Genomics, University Medical Centre Ljubljana
Classification: Uncertain significance for Congenital myasthenic syndrome. Last evaluated: 2015-01-15. Review status: criteria provided, single submitter. Criteria: ACMG Guidelines, 2015. Collection method: clinical testing. Allele origin: unknown. Affected: yes.